The following is an entry in ClinVar:

ClinVar aggregate classification (germline): Benign. Review status: criteria provided, multiple submitters, no conflicts (2 of 4 stars). 5 submissions from 5 submitters: Benign (4). 1 of the submissions does not count toward it. Last evaluated 2026-02-03.

Conditions:
ACADSB-related disorder. Also called: ACADSB-related condition.
Deficiency of 2-methylbutyryl-CoA dehydrogenase (ACADSB). Also called: 2-methylbutyryl-CoA dehydrogenase deficiency; SBCAD deficiency; 2-methylbutyric aciduria; Short branched-chain acyl-CoA dehydrogenase deficiency; 2-methylbutyrylglycinuria. Identifiers: Orphanet 79157, MedGen C1864912, MONDO:0012392, OMIM 610006, HP:0020147.

Allele frequency attached by ClinVar (database versions not stated): ESP Exome Variant Server 0.00008; gnomAD 0.00270 and 0.00297; TOPMed 0.00515; ExAC 0.00588; 1000 Genomes Project 0.00899; 1000 Genomes Project 30x 0.01015.
gnomAD v4.1: 3,245 of 1,613,798 alleles (0.2%); highest among the groups gnomAD compares: Admixed American, 4.7%; 93 homozygotes.

Submissions (5):

Labcorp Genetics (formerly Invitae), Labcorp
Classification: Benign for Deficiency of 2-methylbutyryl-CoA dehydrogenase. Last evaluated: 2026-02-03. Review status: criteria provided, single submitter. Criteria: Invitae Variant Classification Sherloc (09022015). Collection method: clinical testing. Allele origin: germline.

GeneDx
Classification: Benign. Last evaluated: 2018-07-05. Review status: criteria provided, single submitter. Criteria: GeneDx Variant Classification Process June 2021. Collection method: clinical testing. Allele origin: germline. Affected: yes.

Illumina Laboratory Services, Illumina
Classification: Benign for Deficiency of 2-methylbutyryl-CoA dehydrogenase. Last evaluated: 2018-01-12. Review status: criteria provided, single submitter. Criteria: ICSL Variant Classification Criteria 13 December 2019. Collection method: clinical testing. Allele origin: germline.
Comment: This variant was observed in the ICSL laboratory as part of a predisposition screen in an ostensibly healthy population. It had not been previously curated by ICSL or reported in the Human Gene Mutation Database (HGMD: prior to June 1st, 2018), and was therefore a candidate for classification through an automated scoring system. Utilizing variant allele frequency, disease prevalence and penetrance estimates, and inheritance mode, an automated score was calculated to assess if this variant is too frequent to cause the disease. Based on the score and internal cut-off values, a variant classified as benign is not then subjected to further curation. The score for this variant resulted in a classification of benign for this disease.

Breakthrough Genomics
Classification: Benign. Review status: criteria provided, single submitter. Criteria: ACMG Guidelines, 2015. Collection method: not provided. Allele origin: germline. Inheritance: Autosomal recessive inheritance. Affected: yes.

PreventionGenetics, part of Exact Sciences
Classification: Benign for ACADSB-related condition. Last evaluated: 2019-04-12. Review status: no assertion criteria provided. Collection method: clinical testing. Allele origin: germline. Not counted in ClinVar's aggregate classification.
Comment: This variant is classified as benign based on ACMG/AMP sequence variant interpretation guidelines (Richards et al. 2015 PMID: 25741868, with internal and published modifications).

NM_001609.4(ACADSB):c.92A>G (p.His31Arg)

Gene: ACADSB (acyl-CoA dehydrogenase short/branched chain; plus strand). Cytogenetic location: 10q26.13.
Variant type: single nucleotide variant.
Coding change: c.92A>G on transcript NM_001609.4 (MANE Select); coding-DNA position 92, A replaced by G.
Protein change: p.His31Arg; replaces histidine 31 with arginine.
Molecular consequence: missense variant. On other transcripts: 5 prime UTR variant (1).
Genome position (GRCh38, 1-based): chr10:123,034,405, A>G. VCF-style: chr10-123034405-A-G. GRCh37 (hg19) VCF-style: chr10-124793921-A-G.
Other names: c.-114A>G (NM_001330174.3); short protein forms H31R.
Identifiers: ClinVar variation 299070 (VCV000299070.20), dbSNP rs57321698, ClinGen allele CA5730616.